The following is an entry in ClinVar:

ClinVar aggregate classification (germline): Uncertain significance. Review status: criteria provided, multiple submitters, no conflicts (2 of 4 stars). 3 submissions from 3 submitters: Uncertain significance (3). Last evaluated 2024-04-29.

Conditions:
Hereditary cancer-predisposing syndrome. Also called: Tumor predisposition; Neoplastic Syndromes, Hereditary; Hereditary Cancer Syndrome; Hereditary neoplastic syndrome. Identifiers: Orphanet 140162, MedGen C0027672, MeSH D009386, MONDO:0015356.
Ataxia-telangiectasia syndrome (AT). Also called: Ataxia-telangiectasia; LOUIS-BAR SYNDROME; Ataxia-telangiectasia, complementation group D; AT, COMPLEMENTATION GROUP C; ATAXIA-TELANGIECTASIA, COMPLEMENTATION GROUP A; ATAXIA-TELANGIECTASIA, FRESNO VARIANT. Identifiers: Orphanet 100, MedGen C0004135, MONDO:0008840, OMIM 208900.

gnomAD v4.1: 2 of 1,613,274 alleles (0.00012%); highest among the groups gnomAD compares: Non-Finnish European, 0.00017%; no homozygotes.

Submissions (3):

Labcorp Genetics (formerly Invitae), Labcorp
Classification: Uncertain significance for Ataxia-telangiectasia syndrome. Last evaluated: 2024-04-29. Review status: criteria provided, single submitter. Criteria: Invitae Variant Classification Sherloc (09022015). Collection method: clinical testing. Allele origin: germline.
Comment: This sequence change replaces arginine, which is basic and polar, with isoleucine, which is neutral and non-polar, at codon 2547 of the ATM protein (p.Arg2547Ile). This variant is not present in population databases (gnomAD no frequency). This variant has not been reported in the literature in individuals affected with ATM-related conditions. ClinVar contains an entry for this variant (Variation ID: 1448708). An algorithm developed to predict the effect of missense changes on protein structure and function (PolyPhen-2) suggests that this variant is likely to be disruptive. In summary, the available evidence is currently insufficient to determine the role of this variant in disease. Therefore, it has been classified as a Variant of Uncertain Significance.

Ambry Genetics
Classification: Uncertain significance for Hereditary cancer-predisposing syndrome. Last evaluated: 2024-03-28. Review status: criteria provided, single submitter. Criteria: Ambry Variant Classification Scheme 2023. Collection method: clinical testing. Allele origin: germline.
Comment: The p.R2547I variant (also known as c.7640G>T), located in coding exon 51 of the ATM gene, results from a G to T substitution at nucleotide position 7640. The arginine at codon 2547 is replaced by isoleucine, an amino acid with similar properties. This amino acid position is well conserved in available vertebrate species. In addition, the in silico prediction for this alteration is inconclusive. Based on the available evidence, the clinical significance of this alteration remains unclear.

Color Diagnostics, LLC DBA Color Health
Classification: Uncertain significance for Hereditary cancer-predisposing syndrome. Last evaluated: 2022-12-14. Review status: criteria provided, single submitter. Criteria: ACMG Guidelines, 2015. Collection method: clinical testing. Allele origin: germline.
Comment: This missense variant replaces arginine with isoleucine at codon 2547 of the ATM protein. Computational prediction suggests that this variant may have deleterious impact on protein structure and function (internally defined REVEL score threshold >= 0.7, PMID: 27666373). To our knowledge, functional studies have not been reported for this variant. This variant has not been reported in individuals affected with ATM-related disorders in the literature. This variant has not been identified in the general population by the Genome Aggregation Database (gnomAD). The available evidence is insufficient to determine the role of this variant in disease conclusively. Therefore, this variant is classified as a Variant of Uncertain Significance.

NM_000051.4(ATM):c.7640G>T (p.Arg2547Ile)

Genes: ATM (ATM serine/threonine kinase; plus strand), C11orf65 (chromosome 11 open reading frame 65; minus strand). Cytogenetic location: 11q22.3.
Variant type: single nucleotide variant.
Coding change: c.7640G>T on transcript NM_000051.4 (MANE Select); coding-DNA position 7640, G replaced by T.
Protein change: p.Arg2547Ile; replaces arginine 2547 with isoleucine.
Molecular consequence: missense variant. On other transcripts: intron variant (2).
Genome position (GRCh38, 1-based): chr11:108,331,889, G>T. VCF-style: chr11-108331889-G-T. GRCh37 (hg19) VCF-style: chr11-108202616-G-T.
Other names: c.7640G>T, p.Arg2547Ile (NM_001351834.2); c.641-22818C>A (NM_001330368.2); c.*38+3331C>A (NM_001351110.2); short protein forms R2547I.
Identifiers: ClinVar variation 1448708 (VCV001448708.10), dbSNP rs2136515485, ClinGen allele CA382560907.